The following is an entry in ClinVar:

NM_020964.3(EPG5):c.7383A>T (p.Arg2461Ser)

Gene: EPG5 (ectopic P-granules 5 autophagy tethering factor; minus strand). Cytogenetic location: 18q12.3.
Variant type: single nucleotide variant.
Coding change: c.7383A>T on transcript NM_020964.3 (MANE Select); coding-DNA position 7383, A replaced by T.
Protein change: p.Arg2461Ser; replaces arginine 2461 with serine.
Molecular consequence: missense variant.
Genome position (GRCh38, 1-based): chr18:45,857,912, T>A on the plus strand (A>T on the coding strand, the complement: EPG5 is on the minus strand). VCF-style: chr18-45857912-T-A. GRCh37 (hg19) VCF-style: chr18-43437877-T-A.
Other names: c.7383A>T, p.Arg2461Ser (NM_001410858.1); c.7380A>T, p.Arg2460Ser (NM_001410859.1); short protein forms R2460S, R2461S.
Identifiers: ClinVar variation 4745429 (VCV004745429.1).

ClinVar aggregate classification (germline): Uncertain significance (1 of 4 stars; one submission).

Conditions:
Vici syndrome (VICIS). Identifiers: Orphanet 1493, MedGen C1855772, MONDO:0009452, OMIM 242840.

Submission:

Labcorp Genetics (formerly Invitae), Labcorp
Classification: Uncertain significance for Vici syndrome. Last evaluated: 2025-03-19. Review status: criteria provided, single submitter. Criteria: Invitae Variant Classification Sherloc (09022015). Collection method: clinical testing. Allele origin: germline.
Comment: This sequence change replaces arginine, which is basic and polar, with serine, which is neutral and polar, at codon 2461 of the EPG5 protein (p.Arg2461Ser). This variant is not present in population databases (gnomAD no frequency). This variant has not been reported in the literature in individuals affected with EPG5-related conditions. Invitae Evidence Modeling of protein sequence and biophysical properties (such as structural, functional, and spatial information, amino acid conservation, physicochemical variation, residue mobility, and thermodynamic stability) indicates that this missense variant is expected to disrupt EPG5 protein function with a positive predictive value of 80%. In summary, the available evidence is currently insufficient to determine the role of this variant in disease. Therefore, it has been classified as a Variant of Uncertain Significance.